The following is an entry in ClinVar:

NM_173660.5(DOK7):c.652+4C>T

Gene: DOK7 (docking protein 7; plus strand). Cytogenetic location: 4p16.3.
Variant type: single nucleotide variant.
Coding change: c.652+4C>T on transcript NM_173660.5 (MANE Select); 4 bases into the intron after coding-DNA position 652, C replaced by T.
Molecular consequence: intron variant.
Genome position (GRCh38, 1-based): chr4:3,485,662, C>T. VCF-style: chr4-3485662-C-T. GRCh37 (hg19) VCF-style: chr4-3487389-C-T.
Other names: c.652+4C>T (NM_001301071.2); c.220+4C>T (NM_001363811.2); c.641+4C>T (NM_001164673.2); c.-279+4C>T (NM_001256896.2).
Identifiers: ClinVar variation 1353063 (VCV001353063.3), dbSNP rs374675986, ClinGen allele CA2829102.

ClinVar aggregate classification (germline): Uncertain significance (1 of 4 stars; one submission).

Conditions:
Congenital myasthenic syndrome 10. Also called: Myasthenia, limb-girdle, familial. Identifiers: Orphanet 590, MedGen C1850792, MONDO:0009690, OMIM 254300.
Fetal akinesia deformation sequence 1 (FADS1). Also called: Pena-Shokeir syndrome type I; Fetal akinesia sequence. Identifiers: Orphanet 994, MedGen C1276035, MONDO:0100101, OMIM 208150, HP:0001989.

gnomAD v4.1: 19 of 1,569,308 alleles (0.0012%); highest among the groups gnomAD compares: South Asian, 0.0047%; no homozygotes.

Submission:

Labcorp Genetics (formerly Invitae), Labcorp
Classification: Uncertain significance for Congenital myasthenic syndrome 10; Fetal akinesia deformation sequence 1. Last evaluated: 2020-11-11. Review status: criteria provided, single submitter. Criteria: Invitae Variant Classification Sherloc (09022015). Collection method: clinical testing. Allele origin: germline.
Comment: This sequence change falls in intron 5 of the DOK7 gene. It does not directly change the encoded amino acid sequence of the DOK7 protein. It affects a nucleotide within the consensus splice site of the intron. This variant is present in population databases (rs374675986, ExAC 0.008%). This variant has not been reported in the literature in individuals with DOK7-related conditions. Nucleotide substitutions within the consensus splice site are a relatively common cause of aberrant splicing (PMID: 17576681, 9536098). Algorithms developed to predict the effect of sequence changes on RNA splicing suggest that this variant may disrupt the consensus splice site, but this prediction has not been confirmed by published transcriptional studies. In summary, the available evidence is currently insufficient to determine the role of this variant in disease. Therefore, it has been classified as a Variant of Uncertain Significance.

Literature cited by the submitters: PubMed 17576681; PubMed 9536098.